The following is an entry in ClinVar:

ClinVar aggregate classification (germline): Uncertain significance (1 of 4 stars; one submission).

Conditions:
Glycogen storage disease IXb (GSD9B). Also called: GLYCOGENOSIS OF LIVER AND MUSCLE, AUTOSOMAL RECESSIVE; GSD IXb; PHOSPHORYLASE KINASE DEFICIENCY OF LIVER AND MUSCLE, AUTOSOMAL RECESSIVE. Identifiers: Orphanet 79240, MedGen C0543514, MONDO:0009868, OMIM 261750.

Allele frequency attached by ClinVar (database versions not stated): TOPMed below 0.00001; gnomAD 0.00001; gnomAD exomes 0.00001.
gnomAD v4.1: 15 of 1,598,970 alleles (0.00094%); highest among the groups gnomAD compares: Non-Finnish European, 0.0012%; no homozygotes.

Submission:

Labcorp Genetics (formerly Invitae), Labcorp
Classification: Uncertain significance for Glycogen storage disease IXb. Last evaluated: 2022-07-15. Review status: criteria provided, single submitter. Criteria: Invitae Variant Classification Sherloc (09022015). Collection method: clinical testing. Allele origin: germline.
Comment: This sequence change replaces isoleucine, which is neutral and non-polar, with threonine, which is neutral and polar, at codon 459 of the PHKB protein (p.Ile459Thr). In summary, the available evidence is currently insufficient to determine the role of this variant in disease. Therefore, it has been classified as a Variant of Uncertain Significance. Algorithms developed to predict the effect of missense changes on protein structure and function are either unavailable or do not agree on the potential impact of this missense change (SIFT: "Deleterious"; PolyPhen-2: "Benign"; Align-GVGD: "Class C25"). This variant has not been reported in the literature in individuals affected with PHKB-related conditions. This variant is present in population databases (no rsID available, gnomAD no frequency).

NM_000293.3(PHKB):c.1376T>C (p.Ile459Thr)

Gene: PHKB (phosphorylase kinase regulatory subunit beta; plus strand). Cytogenetic location: 16q12.1.
Variant type: single nucleotide variant.
Coding change: c.1376T>C on transcript NM_000293.3 (MANE Select); coding-DNA position 1376, T replaced by C.
Protein change: p.Ile459Thr; replaces isoleucine 459 with threonine.
Molecular consequence: missense variant.
Genome position (GRCh38, 1-based): chr16:47,610,838, T>C. VCF-style: chr16-47610838-T-C. GRCh37 (hg19) VCF-style: chr16-47644749-T-C.
Other names: c.1355T>C, p.Ile452Thr (NM_001031835.3); c.1376T>C, p.Ile459Thr (NM_001363837.1); short protein forms I459T, I452T.
Identifiers: ClinVar variation 2046047 (VCV002046047.2), dbSNP rs918762902, ClinGen allele CA280235980.
Genomic context (GRCh38, chr16:47,610,838, plus strand): 5'-GTTATGCAAATGCATTTTCGATAATGTCATTCCCCTTCTTTTTTTCAGCTGATGAACTTA[T>C]TAGTCCTAAAGACATTGATCCTGTCCAGCGCTATGTCCCACTAAAGGATCAACGTAACGT-3'
Protein context (NP_000284.1, residues 449-469): IIAKLLADEL[Ile459Thr]SPKDIDPVQR